The following is an entry in ClinVar:

ClinVar aggregate classification (germline): Likely benign. Review status: criteria provided, multiple submitters, no conflicts (2 of 4 stars). 2 submissions from 2 submitters: Likely benign (2). Last evaluated 2023-02-06.

Conditions:
Hypertrophic cardiomyopathy 14. Identifiers: MedGen C2750467, MONDO:0013197, OMIM 613251.

Submissions (2):

Labcorp Genetics (formerly Invitae), Labcorp
Classification: Likely benign for Hypertrophic cardiomyopathy 14. Last evaluated: 2023-02-06. Review status: criteria provided, single submitter. Criteria: Invitae Variant Classification Sherloc (09022015). Collection method: clinical testing. Allele origin: germline.

GeneDx
Classification: Likely benign. Last evaluated: 2016-10-25. Review status: criteria provided, single submitter. Criteria: GeneDx Variant Classification (06012015). Collection method: clinical testing. Allele origin: germline. Affected: yes.
Comment: This variant is considered likely benign or benign based on one or more of the following criteria: it is a conservative change, it occurs at a poorly conserved position in the protein, it is predicted to be benign by multiple in silico algorithms, and/or has population frequency not consistent with disease.

NM_002471.4(MYH6):c.3417A>G (p.Ser1139=)

Gene: MYH6 (myosin heavy chain 6; minus strand). Cytogenetic location: 14q11.2.
Variant type: single nucleotide variant.
Coding change: c.3417A>G on transcript NM_002471.4 (MANE Select); coding-DNA position 3417, A replaced by G.
Protein change: p.Ser1139=; no amino-acid change (serine 1139 retained).
Molecular consequence: synonymous variant.
Genome position (GRCh38, 1-based): chr14:23,390,372, T>C on the plus strand (A>G on the coding strand, the complement: MYH6 is on the minus strand). VCF-style: chr14-23390372-T-C. GRCh37 (hg19) VCF-style: chr14-23859581-T-C.
Identifiers: ClinVar variation 390218 (VCV000390218.4), dbSNP rs1057523683, ClinGen allele CA16606938.